The following is an entry in ClinVar:

ClinVar aggregate classification (germline): Pathogenic (1 of 4 stars; one submission).

Submission:

GeneDx
Classification: Pathogenic. Last evaluated: 2026-02-21. Review status: criteria provided, single submitter. Criteria: GeneDx Variant Classification Process June 2021. Collection method: clinical testing. Allele origin: germline.
Comment: Observed with a second CEP290 variant on the opposite allele, in trans, in a fetus with cystic kidneys, liver ductal plate proliferation, and cerebellar vermis hypoplasia in published literature (PMID: 17564974); Nonsense variant predicted to result in protein truncation or nonsense mediated decay in a gene for which loss of function is a known mechanism of disease; Not observed at significant frequency in large population cohorts (gnomAD); Also known as p.(E1015*) (c.3043G>T); This variant is associated with the following publications: (PMID: 25525159, 17564974)

NM_025114.4(CEP290):c.3037G>T (p.Glu1013Ter)

Gene: CEP290 (centrosomal protein 290; minus strand). Cytogenetic location: 12q21.32.
Variant type: single nucleotide variant.
Coding change: c.3037G>T on transcript NM_025114.4 (MANE Select); coding-DNA position 3037, G replaced by T.
Protein change: p.Glu1013Ter; replaces glutamic acid 1013 with a stop codon.
Molecular consequence: nonsense.
Genome position (GRCh38, 1-based): chr12:88,096,954, C>A on the plus strand (G>T on the coding strand, the complement: CEP290 is on the minus strand). VCF-style: chr12-88096954-C-A. GRCh37 (hg19) VCF-style: chr12-88490731-C-A.
Other names: short protein forms E1013*.
Identifiers: ClinVar variation 4887880 (VCV004887880.1).
Genomic context (GRCh38, chr12:88,096,954, plus strand): 5'-TAGTTTCCTGTTCCCAGGCTTGTTCAATAGTGTGAAGTTTTTCCTTGGTAATCTCCAGTT[C>A]TTTATTTATAGACTCCACTTGTTCTTTTAAGGAGATGTTTTCACACTGAATAAAGGAAAA-3'